The following is an entry in ClinVar:

ClinVar aggregate classification (germline): Pathogenic/Likely pathogenic. Review status: criteria provided, multiple submitters, no conflicts (2 of 4 stars). 17 submissions from 17 submitters: Pathogenic (10); Likely pathogenic (2). 5 of the submissions do not count toward it. Last evaluated 2025-10-21.

Conditions:
TRIO-related disorder. Also called: TRIO-related disorders; TRIO-related condition.
Intellectual developmental disorder, autosomal dominant 44, with microcephaly. Also called: Micrognathia-recurrent infections-behavioral abnormalities-mild intellectual disability syndrome; TRIO-Related Intellectual Disability. Identifiers: Orphanet 476126, MedGen C4310740, MONDO:0014892, OMIM 617061.
Intellectual developmental disorder, autosomal dominant 63, with macrocephaly. Also called: MENTAL RETARDATION, AUTOSOMAL DOMINANT 63, WITH MACROCEPHALY. Identifiers: MedGen C5394205, MONDO:0032939, OMIM 618825.

Submissions (17):

Variantyx, Inc.
Classification: Pathogenic for Intellectual developmental disorder, autosomal dominant 44, with microcephaly. Last evaluated: 2025-10-21. Review status: criteria provided, single submitter. Criteria: Variantyx Assertion Criteria 2022. Collection method: clinical testing. Allele origin: de novo. Inheritance: Autosomal dominant inheritance. Affected: yes.
Comment: This is a nonsynonymous variant in the TRIO gene (OMIM: 601893). Pathogenic variants in this gene have been associated with autosomal dominant intellectual developmental disorder 44 with microcephaly. This variant lies within a known hotspot for pathogenic variants or a well-established critical functional domain of the TRIO protein (PMID: 32109419) (PM1). Functional studies have shown that this variant alters TRIO protein function (PMID: 32109419) (PS3_Moderate), and multiple computational algorithms predict a deleterious effect for this variant (REVEL score: 0.731) (PP3). This variant has been reported in many unrelated affected individuals (PMID: 32109419, 33038108, 34697084, 35982159, 37501076) (PS4_Very_Strong) and is absent from control populations (PM2). Based on the current evidence, this variant is classified as pathogenic for autosomal dominant intellectual developmental disorder 44 with microcephaly.

Department of Human Genetics, Hannover Medical School
Classification: Likely pathogenic for Intellectual developmental disorder, autosomal dominant 44, with microcephaly. Last evaluated: 2025-02-14. Review status: criteria provided, single submitter. Criteria: ACMG Guidelines, 2015. Collection method: clinical testing. Allele origin: germline. Affected: yes.
Comment: ACMG: PS3_Supporting, PS4_Moderate, PM1_Supporting, PM2_Supporting, PM6, PP2, PP3

Blueprint Genetics
Classification: Pathogenic for TRIO-related disorders. Last evaluated: 2024-10-31. Review status: criteria provided, single submitter. Criteria: ACMG Guidelines, 2015. Collection method: clinical testing. Allele origin: germline. Affected: yes. Observed: 1 variant allele.

PreventionGenetics, part of Exact Sciences
Classification: Pathogenic for TRIO-related condition. Last evaluated: 2023-04-27. Review status: criteria provided, single submitter. Criteria: ACMG Guidelines, 2015. Collection method: clinical testing. Allele origin: germline.
Comment: The TRIO c.4283G>A variant is predicted to result in the amino acid substitution p.Arg1428Gln. This variant has been reported to occur de novo in individuals with TRIO-related autosomal dominant intellectual developmental disorder (Patient 4; Pengelly et al. 2016. PubMed ID: 27418539; Barbosa et al. 2020. PubMed ID: 32109419). Functional studies suggest this variant impairs Trio-mediated Rac1 activation (Pengelly et al. 2016. PubMed ID: 27418539). This variant occurs in the Dbl homology domain (DH1), which is considered a mutation hotspot in the TRIO protein (Sadybekov. 2017. PubMed ID: 28928363). This variant has not been reported in a large population database, indicating this variant is rare. This variant is interpreted as likely pathogenic.

GeneDx
Classification: Pathogenic. Last evaluated: 2023-03-07. Review status: criteria provided, single submitter. Criteria: GeneDx Variant Classification Process June 2021. Collection method: clinical testing. Allele origin: germline. Affected: yes.
Comment: Published functional studies demonstrate a damaging effect (reduced ability to activate Rac1 as compared to wild-type) (Pengelly et al., 2016); Not observed in large population cohorts (gnomAD); In silico analysis supports that this missense variant has a deleterious effect on protein structure/function; This variant is associated with the following publications: (PMID: 28928363, 24782526, 27418539, 32109419, 31785789, 33038108, 35599849, 34697084, 36717740)

Clinical Genetics Laboratory, Skane University Hospital Lund
Classification: Pathogenic. Last evaluated: 2022-05-27. Review status: criteria provided, single submitter. Criteria: ACMG Guidelines, 2015. Collection method: clinical testing. Allele origin: germline. Affected: yes.

3billion
Classification: Pathogenic for Intellectual developmental disorder, autosomal dominant 44, with microcephaly. Last evaluated: 2022-05-22. Review status: criteria provided, single submitter. Criteria: ACMG Guidelines, 2015. Collection method: clinical testing. Allele origin: germline. Affected: yes. Observed: 1 heterozygote.
Comment: The variant is not observed in the gnomAD v2.1.1 dataset. Missense changes are a common disease-causing mechanism. Functional studies provide strong evidence of the variant having a damaging effect on the gene or gene product (PMID:32109419). In silico tool predictions suggest damaging effect of the variant on gene or gene product (REVEL: 0.73; 3Cnet: 0.84). Same nucleotide change resulting in same amino acid change has been previously reported as pathogenic/likely pathogenic with strong evidence (ClinVar ID: VCV000253084). The variant has been previously reported as de novo in a similarly affected individual (PMID: 32109419). Therefore, this variant is classified as pathogenic according to the recommendation of ACMG/AMP guideline.

MGZ Medical Genetics Center
Classification: Pathogenic for Intellectual developmental disorder, autosomal dominant 44, with microcephaly. Last evaluated: 2022-04-19. Review status: criteria provided, single submitter. Criteria: ACMG Guidelines, 2015. Collection method: clinical testing. Allele origin: germline. Affected: yes. Observed: 2 variant alleles.
Comment: ACMG criteria applied: PS2, PS3_MOD, PS4_MOD, PM1, PM2_SUP, PP2, PP3

Institute of Human Genetics, University of Leipzig Medical Center
Classification: Pathogenic for Intellectual developmental disorder, autosomal dominant 44, with microcephaly. Last evaluated: 2021-10-06. Review status: criteria provided, single submitter. Criteria: ACMG Guidelines, 2015. Collection method: clinical testing. Allele origin: de novo. Affected: yes.
Comment: This variant was identified as de novo (maternity and paternity confirmed)._x000D_ Criteria applied: PS2, PS4_MOD, PS3_SUP, PM1_SUP, PM2_SUP, PP2, PP3

SIB Swiss Institute of Bioinformatics
Classification: Pathogenic for Intellectual developmental disorder, autosomal dominant 44, with microcephaly. Last evaluated: 2020-09-10. Review status: criteria provided, single submitter. Criteria: ACMG Guidelines, 2015. Collection method: curation. Allele origin: unknown.
Comment: This variant is interpreted as pathogenic for Intellectual developmental disorder, autosomal dominant 44, with microcephaly. The following ACMG Tag(s) were applied: Absent from controls (or at extremely low frequency if recessive) in Exome Sequencing Project, 1000 Genomes Project, or Exome Aggregation Consortium (PM2); De novo (paternity and maternity confirmed) (PS2); Missense variant in a gene that has a low rate of benign missense variation and in which missense variants are a common mechanism of disease (PP2); Multiple lines of computational evidence support a deleterious effect on the gene or gene product (PP3); Located in a mutational hot spot and/or critical and well-established functional domain (e.g., active site of an enzyme) without benign variation (PM1); Well-established functional studies show a deleterious effect (PS3 downgraded to moderate).

Baylor Genetics
Classification: Pathogenic for Intellectual developmental disorder, autosomal dominant 44, with microcephaly. Last evaluated: 2018-05-30. Review status: criteria provided, single submitter. Criteria: ACMG Guidelines, 2015. Collection method: clinical testing. Allele origin: de novo. Affected: yes.
Comment: This variant was determined to be pathogenic according to ACMG Guidelines, 2015 [PMID:25741868]. This variant has been previously reported as de novo in one patient with global developmental delay [PMID 27418539]

Juno Genomics, Hangzhou Juno Genomics, Inc
Classification: Likely pathogenic for Intellectual developmental disorder, autosomal dominant 44, with microcephaly; Intellectual developmental disorder, autosomal dominant 63, with macrocephaly. Review status: criteria provided, single submitter. Criteria: ACMG Guidelines, 2015. Collection method: clinical testing. Allele origin: germline. Affected: yes.
Comment: Absent from controls (or at extremely low frequency if recessive) in Genome Aggregation Database.;Missense variant in a gene that has a low rate of benign missense variation.;Well-established in vitro or in vivo functional studies supportive of a damaging effect on the gene or gene product.;The prevalence of the variant in affected individuals is significantly increased compared to the prevalence in controls.;De novo (both maternity and paternity confirmed) in a patient with the disease and no family history.

Clinical Genetics Laboratory, University Hospital Schleswig-Holstein
Classification: Pathogenic for Intellectual developmental disorder, autosomal dominant 44, with microcephaly. Last evaluated: 2024-11-12. Review status: no assertion criteria provided. Criteria: ACMG Guidelines, 2015. Collection method: clinical testing. Allele origin: de novo. Affected: yes. Not counted in ClinVar's aggregate classification.

Solve-RD Consortium
Classification: Likely pathogenic for Intellectual developmental disorder, autosomal dominant 44, with microcephaly. Last evaluated: 2022-06-01. Review status: no assertion criteria provided. Collection method: provider interpretation. Allele origin: inherited. Affected: yes. Not counted in ClinVar's aggregate classification.
Comment: Variant confirmed as disease-causing by referring clinical team

Variant identified during reanalysis of unsolved cases by the Solve-RD project. The Solve-RD project has received funding from the European Union’s Horizon 2020 research and innovation programme under grant agreement No 779257.

OMIM
Classification: Pathogenic for INTELLECTUAL DEVELOPMENTAL DISORDER, AUTOSOMAL DOMINANT 44, WITH MICROCEPHALY. Last evaluated: 2020-03-31. Review status: no assertion criteria provided. Collection method: literature only. Allele origin: germline. Not counted in ClinVar's aggregate classification.

Molecular Genetics Laboratory, BC Children's and BC Women's Hospitals
Classification: Pathogenic for Intellectual developmental disorder, autosomal dominant 44, with microcephaly. Last evaluated: 2017-09-28. Review status: no assertion criteria provided. Criteria: ACMG Guidelines, 2015. Collection method: clinical testing. Allele origin: de novo. Affected: yes. Not counted in ClinVar's aggregate classification.

GeneReviews
No classification provided. Condition: Intellectual developmental disorder, autosomal dominant 44, with microcephaly. Review status: no classification provided. Collection method: literature only. Allele origin: germline. Not counted in ClinVar's aggregate classification.

Literature cited by the submitters: PubMed 32109419 (cited by 4 submitters); PubMed 33038108 (cited by Variantyx, Inc.); PubMed 34697084 (cited by Variantyx, Inc.); PubMed 35982159 (cited by Variantyx, Inc.); PubMed 37501076 (cited by Variantyx, Inc.); PubMed 27418539 (cited by 3 submitters); PubMed 39825153 (cited by Solve-RD Consortium); NCBI Bookshelf NBK447257 (cited by GeneReviews); PubMed 28796471 (cited by GeneReviews).

NM_007118.4(TRIO):c.4283G>A (p.Arg1428Gln)

Gene: TRIO (trio Rho guanine nucleotide exchange factor; plus strand). Cytogenetic location: 5p15.2.
Variant type: single nucleotide variant.
Coding change: c.4283G>A on transcript NM_007118.4 (MANE Select); coding-DNA position 4283, G replaced by A.
Protein change: p.Arg1428Gln; replaces arginine 1428 with glutamine.
Molecular consequence: missense variant. On other transcripts: non-coding transcript variant (1).
Genome position (GRCh38, 1-based): chr5:14,394,102, G>A. VCF-style: chr5-14394102-G-A. GRCh37 (hg19) VCF-style: chr5-14394211-G-A.
Other names: short protein forms R1428Q.
Identifiers: ClinVar variation 253084 (VCV000253084.22), dbSNP rs879255626, ClinGen allele CA10586189.